The following is an entry in ClinVar:

ClinVar aggregate classification (germline): Pathogenic. Review status: reviewed by expert panel (3 of 4 stars). 3 submissions from 3 submitters: Pathogenic (1). 2 of the submissions do not count toward it. Last evaluated 2016-09-08.

Conditions:
Breast-ovarian cancer, familial, susceptibility to, 1 (BROVCA1). Also called: OVARIAN CANCER, SUSCEPTIBILITY TO; BRCA1 Hereditary Breast and Ovarian Cancer. Identifiers: Orphanet 145, MedGen C2676676, MONDO:0011450, OMIM 604370. Disease mechanism: loss of function.

Submissions (3):

Evidence-based Network for the Interpretation of Germline Mutant Alleles (ENIGMA)
Classification: Pathogenic for Breast-ovarian cancer, familial, susceptibility to, 1. Last evaluated: 2016-09-08. Review status: reviewed by expert panel. Criteria: ENIGMA BRCA1/2 Classification Criteria (2015). Collection method: curation. Allele origin: germline.
Comment: Variant allele predicted to encode a truncated non-functional protein.

Consortium of Investigators of Modifiers of BRCA1/2 (CIMBA), c/o University of Cambridge
Classification: Pathogenic for Breast-ovarian cancer, familial, susceptibility to, 1. Last evaluated: 2015-10-02. Review status: criteria provided, single submitter. Criteria: CIMBA Mutation Classification guidelines May 2016. Collection method: clinical testing. Allele origin: germline. Not counted in ClinVar's aggregate classification.

Breast Cancer Information Core (BIC) (BRCA1)
Classification: Pathogenic for Breast-ovarian cancer, familial 1. Last evaluated: 2002-05-29. Review status: no assertion criteria provided. Collection method: clinical testing. Allele origin: germline. Affected: yes. Observed: 1 variant allele. Not counted in ClinVar's aggregate classification.

Literature cited by the submitters: Konstantopoulou et al, Hu Mut 2000 (cited by Breast Cancer Information Core (BIC) (BRCA1)).

NM_007294.4(BRCA1):c.2980del (p.Cys994fs)

Gene: BRCA1 (BRCA1 DNA repair associated; minus strand). Cytogenetic location: 17q21.31.
Variant type: Deletion.
Coding change: c.2980del on transcript NM_007294.4 (MANE Select); coding-DNA position 2980, one base deleted (T; older notation c.2980delT).
Protein change: p.Cys994fs; shifts the reading frame from cysteine 994.
Molecular consequence: frameshift variant. On other transcripts: intron variant (137).
Genome position (GRCh38, 1-based): chr17:43,092,551, A deleted on the plus strand (T on the coding strand, the reverse complement: BRCA1 is on the minus strand). VCF-style (leftmost placement, unchanged base first): chr17-43092550-CA-C. GRCh37 (hg19) VCF-style: chr17-41244567-CA-C.
Other names: 3099delT; c.2980del, p.Cys994fs (NM_001407639.1, NM_001407640.1, NM_001407641.1 and 30 more transcripts); c.2977del, p.Cys993fs (NM_001407644.1, NM_001407645.1, NM_001407860.1 and 22 more transcripts); c.2971del, p.Cys991fs (NM_001407646.1, NM_001407647.1); c.2857del, p.Cys953fs (NM_001407648.1, NM_001407664.1, NM_001407665.1 and 19 more transcripts); c.2854del, p.Cys952fs (NM_001407649.1, NM_001407670.1, NM_001407671.1 and 11 more transcripts); c.2902del, p.Cys968fs (NM_001407653.1, NM_001407654.1, NM_001407655.1 and 4 more transcripts); c.2899del, p.Cys967fs (NM_001407659.1, NM_001407660.1, NM_001407661.1 and 1 more transcripts); and 42 more; short protein forms C994fs, C947fs, C698fs, C866fs, C883fs, C906fs, C923fs, C926fs.
Identifiers: ClinVar variation 54737 (VCV000054737.5), dbSNP rs80357502, ClinGen allele CA001936.
Genomic context (GRCh38, chr17:43,092,550, plus strand): 5'-ATTTCTCTTTCAGGTGACATTGAATGTTCCTCAAAGTTTTCCTCTAGCAGATTTTTCTTA[CA>C]TTTAGTTTTAACAAATGACTTGATGGGAAAAAGTGGTGGTATACGATATGGGTTTTGTAA-3'